The following is an entry in ClinVar:

NM_000059.4(BRCA2):c.9444del (p.Ser3149fs)

Gene: BRCA2 (BRCA2 DNA repair associated; plus strand). Cytogenetic location: 13q13.1.
Variant type: Deletion.
Coding change: c.9444del on transcript NM_000059.4 (MANE Select); coding-DNA position 9444, one base deleted (T; older notation c.9444delT).
Protein change: p.Ser3149fs; shifts the reading frame from serine 3149.
Molecular consequence: frameshift variant.
Genome position (GRCh38, 1-based): chr13:32,394,876, T deleted. VCF-style (leftmost placement, unchanged base first): chr13-32394875-CT-C. GRCh37 (hg19) VCF-style: chr13-32969012-CT-C.
Other names: c.9444delT (NM_000059.3); short protein forms S3149fs.
Identifiers: ClinVar variation 647076 (VCV000647076.9), dbSNP rs1593199940, ClinGen allele CA915948625.

ClinVar aggregate classification (germline): Pathogenic. Review status: criteria provided, multiple submitters, no conflicts (2 of 4 stars). 2 submissions from 2 submitters: Pathogenic (2). Last evaluated 2019-02-08.

Conditions:
Hereditary cancer-predisposing syndrome. Also called: Hereditary Cancer Syndrome; Tumor predisposition; Hereditary neoplastic syndrome; Neoplastic Syndromes, Hereditary. Identifiers: Orphanet 140162, MedGen C0027672, MeSH D009386, MONDO:0015356.
Hereditary breast ovarian cancer syndrome. Also called: Hereditary breast and ovarian cancer; Hereditary breast and ovarian cancer syndrome; BRCA1- and BRCA2-Associated Hereditary Breast and Ovarian Cancer; Hereditary breast and ovarian cancer syndrome (HBOC); Breast and ovarian cancer; Hereditary breast and/or ovarian cancer syndrome. Identifiers: Orphanet 145, MedGen C0677776, MeSH D061325, MONDO:0003582. Disease mechanism: loss of function.

Submissions (2):

Ambry Genetics
Classification: Pathogenic for Hereditary cancer-predisposing syndrome. Last evaluated: 2019-02-08. Review status: criteria provided, single submitter. Criteria: Ambry Variant Classification Scheme 2023. Collection method: clinical testing. Allele origin: germline.
Comment: The c.9444delT pathogenic mutation, located in coding exon 24 of the BRCA2 gene, results from a deletion of one nucleotide at nucleotide position 9444, causing a translational frameshift with a predicted alternate stop codon (p.S3149Vfs*14). This alteration is expected to result in loss of function by premature protein truncation or nonsense-mediated mRNA decay. As such, this alteration is interpreted as a disease-causing mutation.

Labcorp Genetics (formerly Invitae), Labcorp
Classification: Pathogenic for Hereditary breast ovarian cancer syndrome. Last evaluated: 2018-11-11. Review status: criteria provided, single submitter. Criteria: Invitae Variant Classification Sherloc (09022015). Collection method: clinical testing. Allele origin: germline.
Comment: For these reasons, this variant has been classified as Pathogenic. Loss-of-function variants in BRCA2 are known to be pathogenic (PMID: 20104584). This variant has not been reported in the literature in individuals with BRCA2-related disease. This variant is not present in population databases (ExAC no frequency). This sequence change creates a premature translational stop signal (p.Ser3149Valfs*14) in the BRCA2 gene. It is expected to result in an absent or disrupted protein product.

Literature cited by the submitters: PubMed 20104584 (cited by Labcorp Genetics (formerly Invitae), Labcorp).